The following is an entry in ClinVar:

NM_031220.4(PITPNM3):c.1132G>T (p.Gly378Trp)

Gene: PITPNM3 (PITPNM family member 3; minus strand). Cytogenetic location: 17p13.2.
Variant type: single nucleotide variant.
Coding change: c.1132G>T on transcript NM_031220.4 (MANE Select); coding-DNA position 1132, G replaced by T.
Protein change: p.Gly378Trp; replaces glycine 378 with tryptophan.
Molecular consequence: missense variant.
Genome position (GRCh38, 1-based): chr17:6,474,558, C>A on the plus strand (G>T on the coding strand, the complement: PITPNM3 is on the minus strand). VCF-style: chr17-6474558-C-A. GRCh37 (hg19) VCF-style: chr17-6377878-C-A.
Other names: c.1024G>T, p.Gly342Trp (NM_001165966.2); short protein forms G342W, G378W.
Identifiers: ClinVar variation 866108 (VCV000866108.7), dbSNP rs974807683, ClinGen allele CA287318179.

ClinVar aggregate classification (germline): Uncertain significance. Review status: criteria provided, multiple submitters, no conflicts (2 of 4 stars). 2 submissions from 2 submitters: Uncertain significance (2). Last evaluated 2022-08-11.

Allele frequency attached by ClinVar (database versions not stated): gnomAD exomes below 0.00001; TOPMed below 0.00001; gnomAD 0.00001.
gnomAD v4.1: 2 of 1,597,360 alleles (0.00013%); highest among the groups gnomAD compares: Non-Finnish European, 0.00017%; no homozygotes.

Submissions (2):

Labcorp Genetics (formerly Invitae), Labcorp
Classification: Uncertain significance. Last evaluated: 2022-08-11. Review status: criteria provided, single submitter. Criteria: Invitae Variant Classification Sherloc (09022015). Collection method: clinical testing. Allele origin: germline.
Comment: In summary, the available evidence is currently insufficient to determine the role of this variant in disease. Therefore, it has been classified as a Variant of Uncertain Significance. Algorithms developed to predict the effect of missense changes on protein structure and function are either unavailable or do not agree on the potential impact of this missense change (SIFT: "Deleterious"; PolyPhen-2: "Benign"; Align-GVGD: "Class C0"). ClinVar contains an entry for this variant (Variation ID: 866108). This variant has not been reported in the literature in individuals affected with PITPNM3-related conditions. This variant is not present in population databases (gnomAD no frequency). This sequence change replaces glycine, which is neutral and non-polar, with tryptophan, which is neutral and slightly polar, at codon 378 of the PITPNM3 protein (p.Gly378Trp).

Blueprint Genetics
Classification: Uncertain significance. Last evaluated: 2018-07-23. Review status: criteria provided, single submitter. Criteria: ACMG Guidelines, 2015. Collection method: clinical testing. Allele origin: germline.